The following is an entry in ClinVar:

ClinVar aggregate classification (germline): Uncertain significance (0 of 4 stars; one submission).

Conditions:
RAF1-related disorder. Also called: RAF1-related disorders; RAF1-related condition.

Allele frequency attached by ClinVar (database versions not stated): TOPMed 0.00001.

Submission:

PreventionGenetics, part of Exact Sciences
Classification: Uncertain significance for RAF1-related condition. Last evaluated: 2023-10-31. Review status: no assertion criteria provided. Collection method: clinical testing. Allele origin: germline.
Comment: The RAF1 c.882_883insCA variant is predicted to result in a frameshift and premature protein termination (p.Leu295Hisfs*2). When using transcript NM_002880.4, this variant is also referred to as c.834+646_834+647insCA. To our knowledge, this variant has not been reported in the literature or in a large population database, indicating this variant is rare. At this time, the clinical significance of this variant is uncertain due to the absence of conclusive functional and genetic evidence.

NM_002880.4(RAF1):c.834+646_834+647insCA

Gene: RAF1 (Raf-1 proto-oncogene, serine/threonine kinase; minus strand). Cytogenetic location: 3p25.2.
Variant type: Insertion.
Coding change: c.834+646_834+647insCA on transcript NM_002880.4 (MANE Select); bases 646 to 647 of the intron after coding-DNA position 834, CA inserted.
Molecular consequence: intron variant. On other transcripts: frameshift variant (2).
Genome position: GRCh38 VCF-style: chr3-12603489-A-ATG. GRCh37 (hg19) VCF-style: chr3-12644988-A-ATG.
Other names: c.882_883insCA, p.Leu295fs (NM_001354689.3); c.639_640insCA, p.Leu214fs (NM_001354694.3); c.492+646_492+647insCA (NM_001354695.3); c.591+646_591+647insCA (NM_001354692.3, NM_001354691.3); c.735+646_735+647insCA (NM_001354693.3); c.834+646_834+647insCA (NM_001354690.3); short protein forms L214fs, L295fs.
Identifiers: ClinVar variation 3053700 (VCV003053700.2), dbSNP rs2058927003, ClinGen allele CA1346217860.